The following is an entry in ClinVar:

NM_001033855.3(DCLRE1C):c.306+5C>T

Gene: DCLRE1C (DNA cross-link repair 1C; minus strand). Cytogenetic location: 10p13.
Variant type: single nucleotide variant.
Coding change: c.306+5C>T on transcript NM_001033855.3 (MANE Select); 5 bases into the intron after coding-DNA position 306, C replaced by T.
Molecular consequence: intron variant.
Genome position (GRCh38, 1-based): chr10:14,939,805, G>A on the plus strand (C>T on the coding strand, the complement: DCLRE1C is on the minus strand). VCF-style: chr10-14939805-G-A. GRCh37 (hg19) VCF-style: chr10-14981804-G-A.
Other names: c.17+5C>T (NM_001350966.2, NM_001289078.2, NM_001289076.2 and 1 more transcripts); c.306+5C>T (NM_001350965.2); c.-55+5C>T (NM_001350967.2, NM_001289077.2, NM_001289079.2 and 2 more transcripts).
Identifiers: ClinVar variation 1992068 (VCV001992068.1), dbSNP rs764678947, ClinGen allele CA5416930.

ClinVar aggregate classification (germline): Uncertain significance (1 of 4 stars; one submission).

Conditions:
Severe combined immunodeficiency due to DCLRE1C deficiency (RS-SCID). Also called: SCID, AUTOSOMAL RECESSIVE, T CELL-NEGATIVE, B CELL-NEGATIVE, NK CELL-POSITIVE, WITH SENSITIVITY TO IONIZING RADIATION. Identifiers: Orphanet 275, MedGen C1865371, MONDO:0011225, OMIM 602450.

Allele frequency attached by ClinVar (database versions not stated): gnomAD 0.00001; TOPMed 0.00001; ExAC 0.00003; gnomAD exomes 0.00001.
gnomAD v4.1: 11 of 1,583,808 alleles (0.00069%); highest among the groups gnomAD compares: Admixed American, 0.0017%; no homozygotes.

Submission:

Labcorp Genetics (formerly Invitae), Labcorp
Classification: Uncertain significance for Athabaskan severe combined immunodeficiency. Last evaluated: 2022-05-07. Review status: criteria provided, single submitter. Criteria: Invitae Variant Classification Sherloc (09022015). Collection method: clinical testing. Allele origin: germline.
Comment: This sequence change falls in intron 4 of the DCLRE1C gene. It does not directly change the encoded amino acid sequence of the DCLRE1C protein. It affects a nucleotide within the consensus splice site. This variant is present in population databases (rs764678947, gnomAD 0.002%). This variant has not been reported in the literature in individuals affected with DCLRE1C-related conditions. Variants that disrupt the consensus splice site are a relatively common cause of aberrant splicing (PMID: 17576681, 9536098). Algorithms developed to predict the effect of sequence changes on RNA splicing suggest that this variant is not likely to affect RNA splicing. In summary, the available evidence is currently insufficient to determine the role of this variant in disease. Therefore, it has been classified as a Variant of Uncertain Significance.

Literature cited by the submitters: PubMed 17576681; PubMed 9536098.